The following is an entry in ClinVar:

NM_001006658.3(CR2):c.1648A>G (p.Thr550Ala)

Gene: CR2 (complement C3d receptor 2; plus strand). Cytogenetic location: 1q32.2.
Variant type: single nucleotide variant.
Coding change: c.1648A>G on transcript NM_001006658.3 (MANE Select); coding-DNA position 1648, A replaced by G.
Protein change: p.Thr550Ala; replaces threonine 550 with alanine.
Molecular consequence: missense variant.
Genome position (GRCh38, 1-based): chr1:207,472,849, A>G. VCF-style: chr1-207472849-A-G. GRCh37 (hg19) VCF-style: chr1-207646194-A-G.
Other names: c.1648A>G, p.Thr550Ala (NM_001877.5); short protein forms T550A.
Identifiers: ClinVar variation 2006634 (VCV002006634.3), dbSNP rs1165389618, ClinGen allele CA344533793.

ClinVar aggregate classification (germline): Uncertain significance (1 of 4 stars; one submission).

Conditions:
Immunodeficiency, common variable, 7. Identifiers: Orphanet 1572, Orphanet 696894, MedGen C3542922, MONDO:0013862, OMIM 614699.

Allele frequency attached by ClinVar (database versions not stated): gnomAD 0.00001; gnomAD exomes 0.00001; TOPMed below 0.00001.
gnomAD v4.1: 23 of 1,613,936 alleles (0.0014%); highest among the groups gnomAD compares: Non-Finnish European, 0.0019%; no homozygotes.

Submission:

Labcorp Genetics (formerly Invitae), Labcorp
Classification: Uncertain significance for Immunodeficiency, common variable, 7. Last evaluated: 2022-08-13. Review status: criteria provided, single submitter. Criteria: Invitae Variant Classification Sherloc (09022015). Collection method: clinical testing. Allele origin: germline.
Comment: This sequence change replaces threonine, which is neutral and polar, with alanine, which is neutral and non-polar, at codon 550 of the CR2 protein (p.Thr550Ala). This variant is not present in population databases (gnomAD no frequency). This variant has not been reported in the literature in individuals affected with CR2-related conditions. Algorithms developed to predict the effect of missense changes on protein structure and function (SIFT, PolyPhen-2, Align-GVGD) all suggest that this variant is likely to be disruptive. In summary, the available evidence is currently insufficient to determine the role of this variant in disease. Therefore, it has been classified as a Variant of Uncertain Significance.